The following is an entry in ClinVar:

NM_000528.4(MAN2B1):c.2926C>T (p.Pro976Ser)

Gene: MAN2B1 (mannosidase alpha class 2B member 1; minus strand). Cytogenetic location: 19p13.13.
Variant type: single nucleotide variant.
Coding change: c.2926C>T on transcript NM_000528.4 (MANE Select); coding-DNA position 2926, C replaced by T.
Protein change: p.Pro976Ser; replaces proline 976 with serine.
Molecular consequence: missense variant.
Genome position (GRCh38, 1-based): chr19:12,646,730, G>A on the plus strand (C>T on the coding strand, the complement: MAN2B1 is on the minus strand). VCF-style: chr19-12646730-G-A. GRCh37 (hg19) VCF-style: chr19-12757544-G-A.
Other names: c.2923C>T, p.Pro975Ser (NM_001173498.2); c.2929C>T, p.Pro977Ser (NM_001440570.1); short protein forms P975S, P976S, P977S.
Identifiers: ClinVar variation 4755311 (VCV004755311.1).

ClinVar aggregate classification (germline): Uncertain significance (1 of 4 stars; one submission).

Conditions:
Deficiency of alpha-mannosidase (MANSA). Also called: Mannosidosis, alpha-, types I and II; Alpha-Mannosidosis; LYSOSOMAL ALPHA-D-MANNOSIDASE DEFICIENCY. Identifiers: Orphanet 61, MedGen C0024748, MONDO:0009561, OMIM 248500.

gnomAD v4.1: 2 of 1,607,948 alleles (0.00012%); highest among the groups gnomAD compares: Admixed American, 0.0017%; no homozygotes.

Submission:

Labcorp Genetics (formerly Invitae), Labcorp
Classification: Uncertain significance for Deficiency of alpha-mannosidase. Last evaluated: 2025-05-05. Review status: criteria provided, single submitter. Criteria: Invitae Variant Classification Sherloc (09022015). Collection method: clinical testing. Allele origin: germline.
Comment: This sequence change replaces proline, which is neutral and non-polar, with serine, which is neutral and polar, at codon 976 of the MAN2B1 protein (p.Pro976Ser). This variant is present in population databases (no rsID available, gnomAD 0.003%). This variant has not been reported in the literature in individuals affected with MAN2B1-related conditions. An algorithm developed to predict the effect of missense changes on protein structure and function (PolyPhen-2) suggests that this variant is likely to be tolerated. In summary, the available evidence is currently insufficient to determine the role of this variant in disease. Therefore, it has been classified as a Variant of Uncertain Significance.